The following is an entry in ClinVar:

NM_005271.5(GLUD1):c.953G>A (p.Arg318Lys)

Gene: GLUD1 (glutamate dehydrogenase 1; minus strand). Cytogenetic location: 10q23.2.
Variant type: single nucleotide variant.
Coding change: c.953G>A on transcript NM_005271.5 (MANE Select); coding-DNA position 953, G replaced by A.
Protein change: p.Arg318Lys; replaces arginine 318 with lysine.
Molecular consequence: missense variant.
Genome position (GRCh38, 1-based): chr10:87,061,021, C>T on the plus strand (G>A on the coding strand, the complement: GLUD1 is on the minus strand). VCF-style: chr10-87061021-C-T. GRCh37 (hg19) VCF-style: chr10-88820778-C-T.
Other names: R265K; c.452G>A, p.Arg151Lys (NM_001318904.2, NM_001318905.2, NM_001318906.2 and 2 more transcripts); c.554G>A, p.Arg185Lys (NM_001318900.1); short protein forms R318K, R185K, R151K.
Identifiers: ClinVar variation 16127 (VCV000016127.6), dbSNP rs121909736, ClinGen allele CA257429.

ClinVar aggregate classification (germline): Conflicting classifications of pathogenicity. Review status: criteria provided, conflicting classifications (1 of 4 stars). 3 submissions from 3 submitters: Likely pathogenic (1); Uncertain significance (1). 1 of the submissions does not count toward it. Last evaluated 2024-02-23.

Conditions:
GLUD1-related disorders.
Hyperinsulinism-hyperammonemia syndrome (HHF6). Identifiers: Orphanet 35878, MedGen C1847555, MONDO:0011717, OMIM 606762.

Submissions (3):

Labcorp Genetics (formerly Invitae), Labcorp
Classification: Uncertain significance for Hyperinsulinism-hyperammonemia syndrome. Last evaluated: 2024-02-23. Review status: criteria provided, single submitter. Criteria: Invitae Variant Classification Sherloc (09022015). Collection method: clinical testing. Allele origin: germline.
Comment: This sequence change replaces arginine, which is basic and polar, with lysine, which is basic and polar, at codon 318 of the GLUD1 protein (p.Arg318Lys). This variant is not present in population databases (gnomAD no frequency). This missense change has been observed in individuals with hyperinsulinemia-hyperammonemia syndrome (PMID: 10636977, 35951311). This variant is also known as p.Arg265Lys. ClinVar contains an entry for this variant (Variation ID: 16127). Advanced modeling of protein sequence and biophysical properties (such as structural, functional, and spatial information, amino acid conservation, physicochemical variation, residue mobility, and thermodynamic stability) performed at Invitae indicates that this missense variant is not expected to disrupt GLUD1 protein function with a negative predictive value of 80%. In summary, the available evidence is currently insufficient to determine the role of this variant in disease. Therefore, it has been classified as a Variant of Uncertain Significance.

Blueprint Genetics
Classification: Likely pathogenic for GLUD1-related disorders. Last evaluated: 2023-05-25. Review status: criteria provided, single submitter. Criteria: ACMG Guidelines, 2015. Collection method: clinical testing. Allele origin: germline. Affected: yes. Observed: 1 variant allele.

OMIM
Classification: Pathogenic for HYPERINSULINEMIC HYPOGLYCEMIA, FAMILIAL, 6. Last evaluated: 2000-01-01. Review status: no assertion criteria provided. Collection method: literature only. Allele origin: germline. Not counted in ClinVar's aggregate classification.

Literature cited by the submitters: PubMed 10636977 (cited by Labcorp Genetics (formerly Invitae), Labcorp and OMIM); PubMed 35951311 (cited by Labcorp Genetics (formerly Invitae), Labcorp).